The following is an entry in ClinVar:

NM_001009931.3(HRNR):c.3158G>A (p.Arg1053Gln)

Genes: CCDST (cervical cancer associated DHX9 suppressive transcript; plus strand), HRNR (hornerin; minus strand). Cytogenetic location: 1q21.3.
Variant type: single nucleotide variant.
Coding change: c.3158G>A on transcript NM_001009931.3 (MANE Select); coding-DNA position 3158, G replaced by A.
Protein change: p.Arg1053Gln; replaces arginine 1053 with glutamine.
Molecular consequence: missense variant.
Genome position (GRCh38, 1-based): chr1:152,218,471, C>T on the plus strand (G>A on the coding strand, the complement: HRNR is on the minus strand). VCF-style: chr1-152218471-C-T. GRCh37 (hg19) VCF-style: chr1-152190947-C-T.
Other names: short protein forms R1053Q.
Identifiers: ClinVar variation 2639206 (VCV002639206.24), dbSNP rs142424978, ClinGen allele CA1101146.

ClinVar aggregate classification (germline): Likely benign (1 of 4 stars; one submission).

Allele frequency attached by ClinVar (database versions not stated): 1000 Genomes Project 30x 0.00234; ExAC 0.00256; 1000 Genomes Project 0.00260; ESP Exome Variant Server 0.00446.
gnomAD v4.1: 7,959 of 1,612,842 alleles (0.49%); highest among the groups gnomAD compares: Non-Finnish European, 0.6%; 22 homozygotes.

Submission:

CeGaT Center for Human Genetics Tuebingen
Classification: Likely benign. Last evaluated: 2025-01-01. Review status: criteria provided, single submitter. Criteria: CeGaT Center For Human Genetics Tuebingen Variant Classification Criteria Version 2. Collection method: clinical testing. Allele origin: germline. Affected: yes. Observed: 3 variant alleles.
Comment: HRNR: BS2